The following is an entry in ClinVar:

ClinVar aggregate classification (germline): Uncertain significance. Review status: criteria provided, multiple submitters, no conflicts (2 of 4 stars). 5 submissions from 5 submitters: Uncertain significance (5). Last evaluated 2025-07-14.

Conditions:
Hereditary cancer-predisposing syndrome. Also called: Hereditary neoplastic syndrome; Neoplastic Syndromes, Hereditary; Hereditary Cancer Syndrome; Tumor predisposition. Identifiers: Orphanet 140162, MedGen C0027672, MeSH D009386, MONDO:0015356.
Hereditary pheochromocytoma and paraganglioma. Also called: Hereditary pheochromocytoma-paraganglioma; Hereditary Paraganglioma-Pheochromocytoma Syndromes; Hereditary paragangliomas and pheochromocytomas. Identifiers: Orphanet 29072, MedGen C4274332, MONDO:0017366.
Gastrointestinal stromal tumor. Also called: Gastrointestinal stromal tumor, somatic; Gastrointestinal stroma tumor. Identifiers: Orphanet 44890, MedGen C0238198, MeSH D046152, MONDO:0011719, OMIM 606764, HP:0100723.
Pheochromocytoma. Also called: MAX-Related Hereditary Paraganglioma-Pheochromocytoma Syndrome. Identifiers: Orphanet 29072, MedGen C0031511, MONDO:0008233, OMIM 171300, HP:0002666.
Pheochromocytoma/paraganglioma syndrome 4. Also called: SDHB-Related Hereditary Paraganglioma-Pheochromocytoma Syndrome; PARAGANGLIOMA, FAMILIAL MALIGNANT; PARAGANGLIOMAS, HEREDITARY EXTRAADRENAL; PHEOCHROMOCYTOMA, FAMILIAL EXTRAADRENAL; Paragangliomas 4; CAROTID BODY TUMORS AND MULTIPLE EXTRAADRENAL PHEOCHROMOCYTOMAS. Identifiers: Orphanet 29072, MedGen C1861848, MONDO:0007273, OMIM 115310.

Allele frequency attached by ClinVar (database versions not stated): gnomAD 0.00001; gnomAD exomes 0.00002; TOPMed 0.00002; ExAC 0.00004.
gnomAD v4.1: 11 of 1,613,022 alleles (0.00068%); highest among the groups gnomAD compares: East Asian, 0.0067%; no homozygotes.

Submissions (5):

Labcorp Genetics (formerly Invitae), Labcorp
Classification: Uncertain significance for Gastrointestinal stromal tumor; Pheochromocytoma/paraganglioma syndrome 4; Pheochromocytoma. Last evaluated: 2025-07-14. Review status: criteria provided, single submitter. Criteria: Invitae Variant Classification Sherloc (09022015). Collection method: clinical testing. Allele origin: germline.
Comment: This sequence change replaces proline, which is neutral and non-polar, with leucine, which is neutral and non-polar, at codon 14 of the SDHB protein (p.Pro14Leu). The frequency data for this variant in the population databases is considered unreliable, as metrics indicate poor data quality at this position in the gnomAD database. This missense change has been observed in individual(s) with head and neck paraganglioma (PMID: 31492822). ClinVar contains an entry for this variant (Variation ID: 528747). Invitae Evidence Modeling of protein sequence and biophysical properties (such as structural, functional, and spatial information, amino acid conservation, physicochemical variation, residue mobility, and thermodynamic stability) indicates that this missense variant is not expected to disrupt SDHB protein function with a negative predictive value of 95%. In summary, the available evidence is currently insufficient to determine the role of this variant in disease. Therefore, it has been classified as a Variant of Uncertain Significance.

All of Us Research Program, National Institutes of Health
Classification: Uncertain significance for Hereditary pheochromocytoma and paraganglioma. Last evaluated: 2024-03-05. Review status: criteria provided, single submitter. Criteria: ACMG Guidelines, 2015. Collection method: clinical testing. Allele origin: germline. Inheritance: Autosomal dominant inheritance. Observed: 2 variant alleles, 2 heterozygotes.
Comment: This missense variant replaces proline with leucine at codon 14 of the SDHB protein. Computational prediction suggests that this variant may not impact protein structure and function (internally defined REVEL score threshold <= 0.5, PMID: 27666373). To our knowledge, functional studies have not been reported for this variant. This variant has been reported in an individual affected with paraganglioma (PMID: 31492822). This variant has been identified in 5/242904 chromosomes in the general population by the Genome Aggregation Database (gnomAD). The available evidence is insufficient to determine the role of this variant in disease conclusively. Therefore, this variant is classified as a Variant of Uncertain Significance.

This study involves interpretation of variants in research participants for the purpose of population health screening. Participant phenotype was not available at the time of variant classification. Additional details can be found in publication PMID: 35346344, PMCID: PMC8962531

Ambry Genetics
Classification: Uncertain significance for Hereditary cancer-predisposing syndrome. Last evaluated: 2024-02-29. Review status: criteria provided, single submitter. Criteria: Ambry Variant Classification Scheme 2023. Collection method: clinical testing. Allele origin: germline.
Comment: The p.P14L variant (also known as c.41C>T), located in coding exon 1 of the SDHB gene, results from a C to T substitution at nucleotide position 41. The proline at codon 14 is replaced by leucine, an amino acid with similar properties. This amino acid position is not well conserved in available vertebrate species. In addition, the in silico prediction for this alteration is inconclusive. Based on the available evidence, the clinical significance of this alteration remains unclear.

Color Diagnostics, LLC DBA Color Health
Classification: Uncertain significance for Hereditary pheochromocytoma and paraganglioma. Last evaluated: 2023-11-28. Review status: criteria provided, single submitter. Criteria: ACMG Guidelines, 2015. Collection method: clinical testing. Allele origin: germline.
Comment: This missense variant replaces proline with leucine at codon 14 of the SDHB protein. Computational prediction suggests that this variant may not impact protein structure and function. To our knowledge, functional studies have not been reported for this variant. This variant has been reported in an individual affected with paraganglioma (PMID: 31492822). This variant has been identified in 5/242904 chromosomes in the general population by the Genome Aggregation Database (gnomAD). The available evidence is insufficient to determine the role of this variant in disease conclusively. Therefore, this variant is classified as a Variant of Uncertain Significance.

Baylor Genetics
Classification: Uncertain significance for Gastrointestinal stromal tumor. Last evaluated: 2021-10-21. Review status: criteria provided, single submitter. Criteria: ACMG Guidelines, 2015. Collection method: clinical testing. Allele origin: unknown.

Literature cited by the submitters: PubMed 31492822 (cited by 3 submitters).

NM_003000.3(SDHB):c.41C>T (p.Pro14Leu)

Gene: SDHB (succinate dehydrogenase complex iron sulfur subunit B; minus strand). Cytogenetic location: 1p36.13.
Variant type: single nucleotide variant.
Coding change: c.41C>T on transcript NM_003000.3 (MANE Select); coding-DNA position 41, C replaced by T.
Protein change: p.Pro14Leu; replaces proline 14 with leucine.
Molecular consequence: missense variant.
Genome position (GRCh38, 1-based): chr1:17,053,979, G>A on the plus strand (C>T on the coding strand, the complement: SDHB is on the minus strand). VCF-style: chr1-17053979-G-A. GRCh37 (hg19) VCF-style: chr1-17380474-G-A.
Other names: short protein forms P14L.
Identifiers: ClinVar variation 528747 (VCV000528747.14), dbSNP rs764089231, ClinGen allele CA089608.